The following is an entry in ClinVar:

ClinVar aggregate classification (germline): Uncertain significance (1 of 4 stars; one submission).

Conditions:
Intellectual disability, autosomal recessive 53 (NEDHSCA). Also called: NEURODEVELOPMENTAL DISORDER WITH OR WITHOUT HYPOTONIA, SEIZURES, AND CEREBELLAR ATROPHY; GLYCOSYLPHOSPHATIDYLINOSITOL BIOSYNTHESIS DEFECT 13; Mental retardation, autosomal recessive 53. Identifiers: Orphanet 488635, MedGen C4310794, MONDO:0014832, OMIM 616917.

Allele frequency attached by ClinVar (database versions not stated): gnomAD exomes below 0.00001; TOPMed 0.00001.
gnomAD v4.1: 5 of 1,613,460 alleles (0.00031%); highest among the groups gnomAD compares: African/African-American, 0.0013%; no homozygotes.

Submission:

Labcorp Genetics (formerly Invitae), Labcorp
Classification: Uncertain significance for Intellectual disability, autosomal recessive 53. Last evaluated: 2022-08-31. Review status: criteria provided, single submitter. Criteria: Invitae Variant Classification Sherloc (09022015). Collection method: clinical testing. Allele origin: germline.
Comment: This sequence change replaces phenylalanine, which is neutral and non-polar, with leucine, which is neutral and non-polar, at codon 82 of the PIGG protein (p.Phe82Leu). This variant is not present in population databases (gnomAD no frequency). This variant has not been reported in the literature in individuals affected with PIGG-related conditions. ClinVar contains an entry for this variant (Variation ID: 476337). Algorithms developed to predict the effect of missense changes on protein structure and function are either unavailable or do not agree on the potential impact of this missense change (SIFT: "Tolerated"; PolyPhen-2: "Probably Damaging"; Align-GVGD: "Class C0"). In summary, the available evidence is currently insufficient to determine the role of this variant in disease. Therefore, it has been classified as a Variant of Uncertain Significance.

NM_001127178.3(PIGG):c.244T>C (p.Phe82Leu)

Gene: PIGG (phosphatidylinositol glycan anchor biosynthesis class G (EMM blood group); plus strand). Cytogenetic location: 4p16.3.
Variant type: single nucleotide variant.
Coding change: c.244T>C on transcript NM_001127178.3 (MANE Select); coding-DNA position 244, T replaced by C.
Protein change: p.Phe82Leu; replaces phenylalanine 82 with leucine.
Molecular consequence: missense variant. On other transcripts: 5 prime UTR variant (10), non-coding transcript variant (10).
Genome position (GRCh38, 1-based): chr4:500,485, T>C. VCF-style: chr4-500485-T-C. GRCh37 (hg19) VCF-style: chr4-494274-T-C.
Other names: c.-24T>C (NM_001289051.2, NM_001289053.2, NM_001289057.2 and 2 more transcripts); c.244T>C, p.Phe82Leu (NM_001289052.2, NM_001345989.2, NM_017733.5); c.-193T>C (NM_001289055.2); c.-644T>C (NM_001345988.2); c.-1382T>C (NM_001345990.2); c.-1244T>C (NM_001345991.2); c.-969T>C (NM_001345994.2); short protein forms F82L.
Identifiers: ClinVar variation 476337 (VCV000476337.6), dbSNP rs551114887, ClinGen allele CA91045520.